The following is an entry in ClinVar:

NM_006005.3(WFS1):c.1896G>A (p.Met632Ile)

Gene: WFS1 (wolframin ER transmembrane glycoprotein; plus strand). Cytogenetic location: 4p16.1.
Variant type: single nucleotide variant.
Coding change: c.1896G>A on transcript NM_006005.3 (MANE Select); coding-DNA position 1896, G replaced by A.
Protein change: p.Met632Ile; replaces methionine 632 with isoleucine.
Molecular consequence: missense variant.
Genome position (GRCh38, 1-based): chr4:6,301,691, G>A. VCF-style: chr4-6301691-G-A. GRCh37 (hg19) VCF-style: chr4-6303418-G-A.
Other names: c.1896G>A, p.Met632Ile (NM_001145853.1); short protein forms M632I.
Identifiers: ClinVar variation 1513489 (VCV001513489.8), dbSNP rs1057524890, ClinGen allele CA356177057.

ClinVar aggregate classification (germline): Uncertain significance (1 of 4 stars; one submission).

Submission:

Labcorp Genetics (formerly Invitae), Labcorp
Classification: Uncertain significance. Last evaluated: 2021-02-25. Review status: criteria provided, single submitter. Criteria: Invitae Variant Classification Sherloc (09022015). Collection method: clinical testing. Allele origin: germline.
Comment: In summary, the available evidence is currently insufficient to determine the role of this variant in disease. Therefore, it has been classified as a Variant of Uncertain Significance. Advanced modeling of protein sequence and biophysical properties (such as structural, functional, and spatial information, amino acid conservation, physicochemical variation, residue mobility, and thermodynamic stability) performed at Invitae indicates that this missense variant is not expected to disrupt WFS1 protein function. This variant has not been reported in the literature in individuals with WFS1-related conditions. This variant is not present in population databases (ExAC no frequency). This sequence change replaces methionine with isoleucine at codon 632 of the WFS1 protein (p.Met632Ile). The methionine residue is weakly conserved and there is a small physicochemical difference between methionine and isoleucine.